The following is an entry in ClinVar:

NM_000722.4(CACNA2D1):c.95+210A>G

Gene: CACNA2D1 (calcium voltage-gated channel auxiliary subunit alpha2delta 1; minus strand). Cytogenetic location: 7q21.11.
Variant type: single nucleotide variant.
Coding change: c.95+210A>G on transcript NM_000722.4 (MANE Select); 210 bases into the intron after coding-DNA position 95, A replaced by G.
Molecular consequence: intron variant.
Genome position (GRCh38, 1-based): chr7:82,443,155, T>C on the plus strand (A>G on the coding strand, the complement: CACNA2D1 is on the minus strand). VCF-style: chr7-82443155-T-C. GRCh37 (hg19) VCF-style: chr7-82072471-T-C.
Other names: c.95+210A>G (NM_001366867.1, NM_001302890.2).
Identifiers: ClinVar variation 674611 (VCV000674611.1), dbSNP rs2190232, ClinGen allele CA12474078.

ClinVar aggregate classification (germline): Benign (1 of 4 stars; one submission).

Allele frequency attached by ClinVar (database versions not stated): 1000 Genomes Project 0.61262; 1000 Genomes Project 30x 0.61774; TOPMed 0.62918; gnomAD 0.63640 and 0.64070.
gnomAD v4.1: 96,391 of 151,778 alleles (64%); highest among the groups gnomAD compares: African/African-American, 82%; 32,002 homozygotes.

Submission:

GeneDx
Classification: Benign. Last evaluated: 2018-06-18. Review status: criteria provided, single submitter. Criteria: GeneDx Variant Classification (06012015). Collection method: clinical testing. Allele origin: germline. Affected: yes.
Comment: This variant is considered likely benign or benign based on one or more of the following criteria: it is a conservative change, it occurs at a poorly conserved position in the protein, it is predicted to be benign by multiple in silico algorithms, and/or has population frequency not consistent with disease.